The following is an entry in ClinVar:

ClinVar aggregate classification (germline): Benign/Likely benign. Review status: criteria provided, multiple submitters, no conflicts (2 of 4 stars). 5 submissions from 5 submitters: Benign (1); Likely benign (4). Last evaluated 2025-11-21.

Conditions:
KCNJ5-related disorder. Also called: KCNJ5-related condition.
Cardiovascular phenotype. Identifiers: MedGen CN230736.
Long QT syndrome (LQTS). Identifiers: MedGen C0023976, MeSH D008133, MONDO:0002442. Disease mechanism: loss of function. Inheritance: Various modes of inheritance.

Allele frequency attached by ClinVar (database versions not stated): ExAC 0.00006; gnomAD exomes 0.00007; ESP Exome Variant Server 0.00015; TOPMed 0.00018; gnomAD 0.00023 and 0.00025; 1000 Genomes Project 0.00040; 1000 Genomes Project 30x 0.00047.
gnomAD v4.1: 99 of 1,614,180 alleles (0.0061%); highest among the groups gnomAD compares: African/African-American, 0.1%; no homozygotes.

Submissions (5):

Labcorp Genetics (formerly Invitae), Labcorp
Classification: Likely benign for Long QT syndrome. Last evaluated: 2025-11-21. Review status: criteria provided, single submitter. Criteria: Invitae Variant Classification Sherloc (09022015). Collection method: clinical testing. Allele origin: germline.

Women's Health and Genetics/Laboratory Corporation of America, LabCorp
Classification: Likely benign. Last evaluated: 2025-02-11. Review status: criteria provided, single submitter. Criteria: LabCorp Variant Classification Summary - May 2015. Collection method: clinical testing. Allele origin: germline.
Comment: Variant summary: KCNJ5 c.122G>A (p.Arg41His) results in a non-conservative amino acid change in the encoded protein sequence. Three of five in-silico tools predict a benign effect of the variant on protein function. The variant allele was found at a frequency of 6.8e-05 in 251460 control chromosomes. The observed variant frequency is approximately 68 fold of the estimated maximal expected allele frequency for a pathogenic variant in KCNJ5 causing Familial hyperaldosteronism type III phenotype (1e-06). To our knowledge, no occurrence of c.122G>A in individuals affected with Familial hyperaldosteronism type III and no experimental evidence demonstrating its impact on protein function have been reported. ClinVar contains an entry for this variant (Variation ID: 457005). Based on the evidence outlined above, the variant was classified as likely benign.

PreventionGenetics, part of Exact Sciences
Classification: Likely benign for KCNJ5-related condition. Last evaluated: 2025-02-05. Review status: criteria provided, single submitter. Criteria: ACMG Guidelines, 2015. Collection method: clinical testing. Allele origin: germline.
Comment: This variant is classified as likely benign based on ACMG/AMP sequence variant interpretation guidelines (Richards et al. 2015 PMID: 25741868, with internal and published modifications).

Ambry Genetics
Classification: Benign for Cardiovascular phenotype. Last evaluated: 2023-10-13. Review status: criteria provided, single submitter. Criteria: Ambry Variant Classification Scheme 2023. Collection method: clinical testing. Allele origin: germline.

GeneDx
Classification: Likely benign. Last evaluated: 2021-06-02. Review status: criteria provided, single submitter. Criteria: GeneDx Variant Classification Process June 2021. Collection method: clinical testing. Allele origin: germline. Affected: yes.

NM_000890.5(KCNJ5):c.122G>A (p.Arg41His)

Gene: KCNJ5 (potassium inwardly rectifying channel subfamily J member 5; plus strand). Cytogenetic location: 11q24.3.
Variant type: single nucleotide variant.
Coding change: c.122G>A on transcript NM_000890.5 (MANE Select); coding-DNA position 122, G replaced by A.
Protein change: p.Arg41His; replaces arginine 41 with histidine.
Molecular consequence: missense variant.
Genome position (GRCh38, 1-based): chr11:128,911,395, G>A. VCF-style: chr11-128911395-G-A. GRCh37 (hg19) VCF-style: chr11-128781290-G-A.
Other names: c.122G>A (LRG_333t1); c.122G>A, p.Arg41His (NM_001354169.2); short protein forms R41H.
Identifiers: ClinVar variation 457005 (VCV000457005.18), dbSNP rs139073333, ClinGen allele CA6357825.